The following is an entry in ClinVar:

NM_001754.5(RUNX1):c.259_260delinsAA (p.Gly87Asn)

Gene: RUNX1 (RUNX family transcription factor 1; minus strand). Cytogenetic location: 21q22.12.
Variant type: Indel.
Coding change: c.259_260delinsAA on transcript NM_001754.5 (MANE Select); coding-DNA positions 259 to 260, GG replaced by AA.
Protein change: p.Gly87Asn; replaces glycine 87 with asparagine.
Molecular consequence: missense variant.
Genome position (GRCh38, 1-based): chr21:34,886,934-34,886,935, CC replaced by TT on the plus strand (GG replaced by AA on the coding strand, the reverse complement: RUNX1 is on the minus strand). VCF-style: chr21-34886934-CC-TT. GRCh37 (hg19) VCF-style: chr21-36259231-CC-TT.
Other names: NM_001754.5(RUNX1):c.259_260delinsAA; p.Gly87Asn; c.178_179delinsAA, p.Gly60Asn (NM_001001890.3, NM_001122607.2); short protein forms G60N, G87N.
Identifiers: ClinVar variation 1422929 (VCV001422929.7), dbSNP rs2146410250, ClinGen allele CA2573157361.

ClinVar aggregate classification (germline): Uncertain significance. Review status: reviewed by expert panel (3 of 4 stars). 2 submissions from 2 submitters: Uncertain significance (1). 1 of the submissions does not count toward it. Last evaluated 2024-10-29.

Conditions:
Hereditary thrombocytopenia and hematological cancer predisposition syndrome associated with RUNX1. Also called: Familial Platelet Disorder with Propensity to Acute Myelogenous Leukemia; Familial thrombocytopenia with propensity to acute myelogenous leukemia; RUNX1 Familial Platelet Disorder with Associated Myeloid Malignancies; PLATELET DISORDER, ASPIRIN-LIKE. Identifiers: Orphanet 71290, MedGen C1832388, MeSH C563324, MONDO:0100083, OMIM 601399.
Hereditary thrombocytopenia and hematologic cancer predisposition syndrome. Identifiers: Orphanet 71290, MedGen CN281654, MONDO:0011071.

Submissions (2):

ClinGen Myeloid Malignancy Variant Curation Expert Panel
Classification: Uncertain significance for Hereditary thrombocytopenia and hematologic cancer predisposition syndrome. Last evaluated: 2024-10-29. Review status: reviewed by expert panel. Criteria: ClinGen MyeloMalig ACMG Specifications v2. Collection method: curation. Allele origin: germline. Inheritance: Autosomal dominant inheritance.
Comment: NM_001754.5(RUNX1):c.259_260delinsAA (p.Gly87Asn) is a variant which is completely absent from all population databases with at least 20x coverage for RUNX1 (PM2_Supporting). In summary, the clinical significance of this variant is uncertain. ACMG/AMP criteria applied, as specified by the Myeloid Malignancy Variant Curation Expert Panel for RUNX1: PM2_supporting.

Labcorp Genetics (formerly Invitae), Labcorp
Classification: Uncertain significance for Hereditary thrombocytopenia and hematological cancer predisposition syndrome associated with RUNX1. Last evaluated: 2023-08-04. Review status: criteria provided, single submitter. Criteria: Invitae Variant Classification Sherloc (09022015). Collection method: clinical testing. Allele origin: germline. Not counted in ClinVar's aggregate classification.
Comment: In summary, the available evidence is currently insufficient to determine the role of this variant in disease. Therefore, it has been classified as a Variant of Uncertain Significance. An algorithm developed to predict the effect of missense changes on protein structure and function (PolyPhen-2) suggests that this variant is likely to be disruptive. ClinVar contains an entry for this variant (Variation ID: 1422929). This variant has not been reported in the literature in individuals affected with RUNX1-related conditions. Information on the frequency of this variant in the gnomAD database is not available, as this variant may be reported differently in the database. This sequence change replaces glycine, which is neutral and non-polar, with asparagine, which is neutral and polar, at codon 87 of the RUNX1 protein (p.Gly87Asn).